The following is an entry in ClinVar:

NM_004522.3(KIF5C):c.2402T>A (p.Leu801His)

Gene: KIF5C (kinesin family member 5C; plus strand). Cytogenetic location: 2q23.2.
Variant type: single nucleotide variant.
Coding change: c.2402T>A on transcript NM_004522.3 (MANE Select); coding-DNA position 2402, T replaced by A.
Protein change: p.Leu801His; replaces leucine 801 with histidine.
Molecular consequence: missense variant. On other transcripts: non-coding transcript variant (1).
Genome position (GRCh38, 1-based): chr2:149,005,421, T>A. VCF-style: chr2-149005421-T-A. GRCh37 (hg19) VCF-style: chr2-149861935-T-A.
Other names: short protein forms L801H.
Identifiers: ClinVar variation 4687024 (VCV004687024.1).

ClinVar aggregate classification (germline): Uncertain significance (1 of 4 stars; one submission).

Submission:

GeneDx
Classification: Uncertain significance. Last evaluated: 2025-07-23. Review status: criteria provided, single submitter. Criteria: GeneDx Variant Classification Process June 2021. Collection method: clinical testing. Allele origin: germline. Affected: yes.
Comment: Not observed at significant frequency in large population cohorts (gnomAD); In silico analysis supports that this missense variant has a deleterious effect on protein structure/function; Has not been previously published as pathogenic or benign to our knowledge